The following is an entry in ClinVar:

NM_005141.5(FGB):c.1239C>T (p.Asp413=)

Gene: FGB (fibrinogen beta chain; plus strand). Cytogenetic location: 4q31.3.
Variant type: single nucleotide variant.
Coding change: c.1239C>T on transcript NM_005141.5 (MANE Select); coding-DNA position 1239, C replaced by T.
Protein change: p.Asp413=; no amino-acid change (aspartic acid 413 retained).
Molecular consequence: synonymous variant. On other transcripts: 3 prime UTR variant (1), intron variant (1).
Genome position (GRCh38, 1-based): chr4:154,569,794, C>T. VCF-style: chr4-154569794-C-T. GRCh37 (hg19) VCF-style: chr4-155490946-C-T.
Other names: c.1062C>T, p.Asp354= (NM_001184741.1); c.1107C>T, p.Asp369= (NM_001382759.1); c.1239C>T, p.Asp413= (NM_001382760.1, NM_001382761.1); c.939C>T, p.Asp313= (NM_001382762.1); c.1230C>T, p.Asp410= (NM_001382763.1); c.*13C>T (NM_001382764.1); c.1220+19C>T (NM_001382765.1).
Identifiers: ClinVar variation 259646 (VCV000259646.16), dbSNP rs148950857, ClinGen allele CA3114743.

ClinVar aggregate classification (germline): Benign/Likely benign. Review status: criteria provided, multiple submitters, no conflicts (2 of 4 stars). 5 submissions from 5 submitters: Benign (4); Likely benign (1). Last evaluated 2025-12-06.

Conditions:
Congenital afibrinogenemia. Identifiers: Orphanet 335, Orphanet 98880, MedGen C2584774, MONDO:0008737, OMIM 202400.

Allele frequency attached by ClinVar (database versions not stated): gnomAD exomes 0.00100; ExAC 0.00120; gnomAD 0.00322 and 0.00364; ESP Exome Variant Server 0.00354; TOPMed 0.00392; 1000 Genomes Project 0.00439; 1000 Genomes Project 30x 0.00453.
gnomAD v4.1: 1,117 of 1,614,114 alleles (0.069%); highest among the groups gnomAD compares: African/African-American, 1.1%; 4 homozygotes.

Submissions (5):

Labcorp Genetics (formerly Invitae), Labcorp
Classification: Benign. Last evaluated: 2025-12-06. Review status: criteria provided, single submitter. Criteria: Invitae Variant Classification Sherloc (09022015). Collection method: clinical testing. Allele origin: germline.

Blueprint Genetics
Classification: Likely benign. Last evaluated: 2024-10-11. Review status: criteria provided, single submitter. Criteria: ACMG Guidelines, 2015. Collection method: clinical testing. Allele origin: germline.

Illumina Laboratory Services, Illumina
Classification: Benign for Congenital afibrinogenemia. Last evaluated: 2017-05-08. Review status: criteria provided, single submitter. Criteria: ICSL Variant Classification Criteria 13 December 2019. Collection method: clinical testing. Allele origin: germline.
Comment: This variant was observed as part of a predisposition screen in an ostensibly healthy population. A literature search was performed for the gene, cDNA change, and amino acid change (where applicable). No publications were found based on this search. Allele frequency data from public databases was too high to be consistent with this variant causing disease. Therefore, this variant is classified as benign.

Breakthrough Genomics
Classification: Benign. Review status: criteria provided, single submitter. Criteria: ACMG Guidelines, 2015. Collection method: not provided. Allele origin: germline. Inheritance: Autosomal recessive inheritance. Affected: yes.

PreventionGenetics, part of Exact Sciences
Classification: Benign. Review status: criteria provided, single submitter. Criteria: ACMG Guidelines, 2015. Collection method: clinical testing. Allele origin: germline.